The following continues an entry in ClinVar:

NM_000059.4(BRCA2):c.5621_5624del (p.Ile1874fs)

Gene: BRCA2. ClinVar aggregate classification (germline): Pathogenic. Pathogenic (1).

Submissions 9 to 24 of 24:

All of Us Research Program, National Institutes of Health
Classification: Pathogenic for BRCA2-related cancer predisposition. Last evaluated: 2024-06-09. Review status: criteria provided, single submitter. Criteria: ACMG Guidelines, 2015. Collection method: clinical testing. Allele origin: germline. Inheritance: Autosomal dominant inheritance. Observed: 1 variant allele, 1 heterozygote. Not counted in ClinVar's aggregate classification.
Comment: This variant deletes 4 nucleotides in exon 11 of the BRCA2 gene, creating a frameshift and premature translation stop signal. This variant is expected to result in an absent or non-functional protein product. This variant is also known as 5849del4 in the literature. This variant has been reported in at least 8 individuals affected with breast and/or ovarian cancer (PMID: 9042907, 10449599, 11044354, 15887246, 18042939, 26681312, 32427313) and in individuals with a personal or family history of breast or ovarian cancer (PMID: 29566657, 29161300). This variant has been identified in 1/247614 chromosomes in the general population by the Genome Aggregation Database (gnomAD). Loss of BRCA2 function is a known mechanism of disease. Based on the available evidence, this variant is classified as Pathogenic.

This study involves interpretation of variants in research participants for the purpose of population health screening. Participant phenotype was not available at the time of variant classification. Additional details can be found in publication PMID: 35346344, PMCID: PMC8962531

Color Diagnostics, LLC DBA Color Health
Classification: Pathogenic for Hereditary cancer-predisposing syndrome. Last evaluated: 2024-04-16. Review status: criteria provided, single submitter. Criteria: ACMG Guidelines, 2015. Collection method: clinical testing. Allele origin: germline. Not counted in ClinVar's aggregate classification.
Comment: This variant deletes 4 nucleotides in exon 11 of the BRCA2 gene, creating a frameshift and premature translation stop signal. This variant is expected to result in an absent or non-functional protein product. This variant is also known as 5849del4 in the literature. This variant has been reported in at least 8 individuals affected with breast and/or ovarian cancer (PMID: 9042907, 10449599, 11044354, 15887246, 18042939, 26681312, 32427313) and in individuals with a personal or family history of breast or ovarian cancer (PMID: 29566657, 29161300). This variant has been identified in 1/247614 chromosomes in the general population by the Genome Aggregation Database (gnomAD). Loss of BRCA2 function is a known mechanism of disease. Based on the available evidence, this variant is classified as Pathogenic.

Baylor Genetics
Classification: Pathogenic for Familial cancer of breast. Last evaluated: 2024-01-02. Review status: criteria provided, single submitter. Criteria: ACMG Guidelines, 2015. Collection method: clinical testing. Allele origin: unknown. Not counted in ClinVar's aggregate classification.

Fulgent Genetics
Classification: Pathogenic for Familial cancer of breast; Medulloblastoma; Familial prostate cancer; Wilms tumor 1; Fanconi anemia complementation group D1; Breast-ovarian cancer, familial, susceptibility to, 2; Glioma susceptibility 3; Pancreatic cancer, susceptibility to, 2. Last evaluated: 2024-01-02. Review status: criteria provided, single submitter. Criteria: ACMG Guidelines, 2015. Collection method: clinical testing. Allele origin: germline. Not counted in ClinVar's aggregate classification.

GeneDx
Classification: Pathogenic. Last evaluated: 2023-12-04. Review status: criteria provided, single submitter. Criteria: GeneDx Variant Classification Process June 2021. Collection method: clinical testing. Allele origin: germline. Affected: yes. Not counted in ClinVar's aggregate classification.
Comment: Frameshift variant predicted to result in protein truncation or nonsense mediated decay in a gene for which loss-of-function is a known mechanism of disease; Observed in individuals with a personal or family history consistent with pathogenic variants in this gene (PMID: 9042907, 15887246, 16528604, 18042939, 19620486, 21913181, 28503720, 29907814, 29566657, 30736435); Truncating variants in this gene are considered pathogenic by a well-established clinical consortium and/or database; Not observed at significant frequency in large population cohorts (gnomAD); Also known as 5849_5852delTTAA or 5849del4; This variant is associated with the following publications: (PMID: 15887246, 19620486, 9042907, 26681312, 18042939, 16170354, 21913181, 15131399, 16528604, 28503720, 29566657, 29907814, 29161300, 30720243, 30736435, 30787465, 29922827, 36367610)

Women's Health and Genetics/Laboratory Corporation of America, LabCorp
Classification: Pathogenic for Hereditary breast ovarian cancer syndrome. Last evaluated: 2023-02-06. Review status: criteria provided, single submitter. Criteria: LabCorp Variant Classification Summary - May 2015. Collection method: clinical testing. Allele origin: germline. Not counted in ClinVar's aggregate classification.
Comment: Variant summary: BRCA2 c.5621_5624delTTAA (p.Ile1874ArgfsX34) results in a premature termination codon, predicted to cause a truncation of the encoded protein or absence of the protein due to nonsense mediated decay, which are commonly known mechanisms for disease. Truncations downstream of this position have been classified as pathogenic by our laboratory. The variant allele was found at a frequency of 4e-06 in 247614 control chromosomes.The variant, c.5621_5624delTTAA, has been reported in the literature in multiple individuals affected with Hereditary Breast and Ovarian Cancer (Serova_1997, Santarosa_1999, Tai_2007, Watson_2009, Litton_2011, Alemar_2017, Palmer_2020, Wang_2018 etc.). These data indicate that the variant is very likely to be associated with disease. To our knowledge, no experimental evidence demonstrating an impact on protein function has been reported. Nine clinical diagnostic laboratories have submitted clinical-significance assessments for this variant to ClinVar after 2014 without evidence for independent evaluation. All laboratories classified the variant as pathogenic. Based on the evidence outlined above, the variant was classified as pathogenic.

Revvity Omics, Revvity
Classification: Pathogenic. Last evaluated: 2019-06-11. Review status: criteria provided, single submitter. Criteria: ACMG Guidelines, 2015. Collection method: clinical testing. Allele origin: germline. Not counted in ClinVar's aggregate classification.

Quest Diagnostics Nichols Institute San Juan Capistrano
Classification: Pathogenic for Breast-ovarian cancer, familial, susceptibility to, 2. Last evaluated: 2016-01-25. Review status: criteria provided, single submitter. Criteria: Quest Diagnostics criteria. Collection method: clinical testing. Allele origin: germline. Inheritance: Autosomal dominant inheritance. Not counted in ClinVar's aggregate classification.

Consortium of Investigators of Modifiers of BRCA1/2 (CIMBA), c/o University of Cambridge
Classification: Pathogenic for Breast-ovarian cancer, familial, susceptibility to, 2. Last evaluated: 2015-10-02. Review status: criteria provided, single submitter. Criteria: CIMBA Mutation Classification guidelines May 2016. Collection method: clinical testing. Allele origin: germline. Not counted in ClinVar's aggregate classification.

Clinical Genetics Laboratory, University Hospital Schleswig-Holstein
Classification: Pathogenic for Familial cancer of breast; Familial prostate cancer. Last evaluated: 2024-05-28. Review status: no assertion criteria provided. Collection method: clinical testing. Allele origin: germline. Affected: yes. Not counted in ClinVar's aggregate classification.

BRCAlab, Lund University
Classification: Pathogenic for Breast-ovarian cancer, familial, susceptibility to, 2. Last evaluated: 2022-08-26. Review status: no assertion criteria provided. Collection method: clinical testing. Allele origin: germline. Affected: yes. Not counted in ClinVar's aggregate classification.

Medical Genetics Laboratory, Umraniye Training and Research Hospital, University of Health Sciences
Classification: Pathogenic for Breast carcinoma. Last evaluated: 2021-08-21. Review status: no assertion criteria provided. Collection method: clinical testing. Allele origin: germline. Inheritance: Autosomal dominant inheritance. Affected: yes. Observed: 1 variant allele, 1 heterozygote. Not counted in ClinVar's aggregate classification.

Research Molecular Genetics Laboratory, Women's College Hospital, University of Toronto
Classification: Pathogenic for Hereditary breast ovarian cancer syndrome. Last evaluated: 2014-01-31. Review status: no assertion criteria provided. Collection method: research. Allele origin: germline. Affected: yes. Study: The Canadian Open Genetics Repository (COGR). Not counted in ClinVar's aggregate classification.

Sharing Clinical Reports Project (SCRP)
Classification: Pathogenic for Breast-ovarian cancer, familial 2. Last evaluated: 2010-06-01. Review status: no assertion criteria provided. Collection method: clinical testing. Allele origin: germline. Not counted in ClinVar's aggregate classification.

Breast Cancer Information Core (BIC) (BRCA2)
Classification: Pathogenic for Breast-ovarian cancer, familial 2. Last evaluated: 2002-05-29. Review status: no assertion criteria provided. Collection method: clinical testing. Allele origin: germline, unknown. Affected: yes. Observed: 16 variant alleles. Not counted in ClinVar's aggregate classification.

Department of Pathology and Laboratory Medicine, Sinai Health System
Classification: Pathogenic for Malignant tumor of breast. Review status: no assertion criteria provided. Collection method: clinical testing. Allele origin: unknown. Affected: yes. Observed: 4 variant alleles. Study: The Canadian Open Genetics Repository (COGR). Not counted in ClinVar's aggregate classification.
Comment: The p.Ile1874ArgfsX34 deletion variant has been reported in the literature 1 of 62 proband chromosomes in a family with hereditary breast cancer (Serova_1997_9042907). This variant was also identified 3 times in the UMD database as a causal variant and 16 times in the BIC database as having clinical importance. This variant is predicted to cause a frameshift, which alters the protein's amino acid sequence beginning at codon 1874 and leads to a premature stop codon 34 codons downstream. This alteration is then predicted to result in a truncated or absent protein and loss of function. Loss of function variants of the BRCA2 gene are an established mechanism of disease in hereditary breast and ovarian cancer families and is the type of variant that is expected to cause the disorder. In summary, based on the above information, this variant is classified as pathogenic.

Literature cited by the submitters: PubMed 20104584 (cited by Labcorp Genetics (formerly Invitae), Labcorp); PubMed 9042907 (cited by 5 submitters); PubMed 10449599 (cited by 5 submitters); PubMed 18042939 (cited by 5 submitters); PubMed 19620486 (cited by Labcorp Genetics (formerly Invitae), Labcorp and Women's Health and Genetics/Laboratory Corporation of America, LabCorp); PubMed 21913181 (cited by 4 submitters); PubMed 26681312 (cited by 4 submitters); PubMed 16199546 (cited by Dasa); PubMed 17063271 (cited by Dasa); PubMed 25632310 (cited by Dasa); PubMed 15131399 (cited by Ambry Genetics); PubMed 15887246 (cited by 3 submitters); PubMed 11044354 (cited by 3 submitters); PubMed 29161300 (cited by 3 submitters); PubMed 29566657 (cited by 3 submitters); PubMed 32427313 (cited by 3 submitters); PubMed 16170354 (cited by Women's Health and Genetics/Laboratory Corporation of America, LabCorp); PubMed 26295337 (cited by Quest Diagnostics Nichols Institute San Juan Capistrano).